The following is an entry in ClinVar:

NM_003098.3(SNTA1):c.630C>T (p.Ser210=)

Gene: SNTA1 (syntrophin alpha 1; minus strand). Cytogenetic location: 20q11.21.
Variant type: single nucleotide variant.
Coding change: c.630C>T on transcript NM_003098.3 (MANE Select); coding-DNA position 630, C replaced by T.
Protein change: p.Ser210=; no amino-acid change (serine 210 retained).
Molecular consequence: synonymous variant.
Genome position (GRCh38, 1-based): chr20:33,417,790, G>A on the plus strand (C>T on the coding strand, the complement: SNTA1 is on the minus strand). VCF-style: chr20-33417790-G-A. GRCh37 (hg19) VCF-style: chr20-32005596-G-A.
Identifiers: ClinVar variation 384456 (VCV000384456.6), dbSNP rs747390007, ClinGen allele CA9817182.

ClinVar aggregate classification (germline): Likely benign. Review status: criteria provided, multiple submitters, no conflicts (2 of 4 stars). 3 submissions from 3 submitters: Likely benign (3). Last evaluated 2023-03-20.

Conditions:
Long QT syndrome (LQTS). Identifiers: MedGen C0023976, MeSH D008133, MONDO:0002442. Disease mechanism: loss of function. Inheritance: Various modes of inheritance.
Cardiovascular phenotype. Identifiers: MedGen CN230736.

Allele frequency attached by ClinVar (database versions not stated): gnomAD 0.00001; ExAC 0.00002; gnomAD exomes 0.00002 and 0.00003; TOPMed 0.00002.
gnomAD v4.1: 53 of 1,613,926 alleles (0.0033%); highest among the groups gnomAD compares: African/African-American, 0.0053%; no homozygotes.

Submissions (3):

Labcorp Genetics (formerly Invitae), Labcorp
Classification: Likely benign for Long QT syndrome. Last evaluated: 2023-03-20. Review status: criteria provided, single submitter. Criteria: Invitae Variant Classification Sherloc (09022015). Collection method: clinical testing. Allele origin: germline.

Ambry Genetics
Classification: Likely benign for Cardiovascular phenotype. Last evaluated: 2019-03-01. Review status: criteria provided, single submitter. Criteria: Ambry Variant Classification Scheme 2023. Collection method: clinical testing. Allele origin: germline.

GeneDx
Classification: Likely benign. Last evaluated: 2017-11-01. Review status: criteria provided, single submitter. Criteria: GeneDx Variant Classification (06012015). Collection method: clinical testing. Allele origin: germline. Affected: yes.
Comment: This variant is considered likely benign or benign based on one or more of the following criteria: it is a conservative change, it occurs at a poorly conserved position in the protein, it is predicted to be benign by multiple in silico algorithms, and/or has population frequency not consistent with disease.